The following is an entry in ClinVar:

ClinVar aggregate classification (germline): Likely pathogenic (1 of 4 stars; one submission).

Conditions:
LAMA2-related muscular dystrophy (LAMA2-RD). Also called: Laminin alpha 2-related dystrophy. Identifiers: MedGen C5679788, MONDO:0100228.

Submission:

Labcorp Genetics (formerly Invitae), Labcorp
Classification: Likely pathogenic for LAMA2-related muscular dystrophy. Last evaluated: 2024-10-21. Review status: criteria provided, single submitter. Criteria: Invitae Variant Classification Sherloc (09022015). Collection method: clinical testing. Allele origin: germline.
Comment: This variant results in the deletion of part of exon 50 (c.6993-1_6993delinsTG) of the LAMA2 gene. It is expected to disrupt RNA splicing. Variants that disrupt the donor or acceptor splice site typically lead to a loss of protein function (PMID: 16199547), and loss-of-function variants in LAMA2 are known to be pathogenic (PMID: 18700894, 32904964). Information on the frequency of this variant in the gnomAD database is not available, as this variant may be reported differently in the database. This variant has not been reported in the literature in individuals affected with LAMA2-related conditions. In summary, the currently available evidence indicates that the variant is pathogenic, but additional data are needed to prove that conclusively. Therefore, this variant has been classified as Likely Pathogenic.

Literature cited by the submitters: PubMed 16199547; PubMed 18700894; PubMed 32904964.

NM_000426.4(LAMA2):c.6993-1_6993delinsTG

Gene: LAMA2 (laminin subunit alpha 2; plus strand). Cytogenetic location: 6q22.33.
Variant type: Indel.
Coding change: c.6993-1_6993delinsTG on transcript NM_000426.4 (MANE Select); the canonical splice acceptor site of the intron before coding-DNA position 6993 through coding-DNA position 6993, GT replaced by TG.
Molecular consequence: splice acceptor variant.
Genome position (GRCh38, 1-based): chr6:129,464,289-129,464,290, GT replaced by TG. VCF-style: chr6-129464289-GT-TG. GRCh37 (hg19) VCF-style: chr6-129785434-GT-TG.
Other names: c.6993-1_6993delinsTG (NM_001079823.2).
Identifiers: ClinVar variation 3723441 (VCV003723441.2).
Genomic context (GRCh38, chr6:129,464,289, plus strand): 5'-ATTGAATAATGACAGACTGAATAGATATGATCTGATTCATGTGAAATGTCTCTCTTCTCA[GT>TG]CCTCAGGTGGAAGATAGTGAGGGGACTATTCAATTTGATGGAGAAGGTTATGCATTGGTC-3'